The following is an entry in ClinVar:

ClinVar aggregate classification (germline): Benign (1 of 4 stars; one submission).

Submission:

GeneDx
Classification: Benign. Last evaluated: 2018-06-19. Review status: criteria provided, single submitter. Criteria: GeneDx Variant Classification (06012015). Collection method: clinical testing. Allele origin: germline. Affected: yes.
Comment: This variant is considered likely benign or benign based on one or more of the following criteria: it is a conservative change, it occurs at a poorly conserved position in the protein, it is predicted to be benign by multiple in silico algorithms, and/or has population frequency not consistent with disease.

NM_002778.4(PSAP):c.1431+78_1431+83del

Gene: PSAP (prosaposin; minus strand). Cytogenetic location: 10q22.1.
Variant type: Deletion.
Coding change: c.1431+78_1431+83del on transcript NM_002778.4 (MANE Select); bases 78 to 83 of the intron after coding-DNA position 1431, 6 bases deleted (GAGACT; older notation c.1431+78_1431+83delGAGACT).
Molecular consequence: intron variant.
Genome position (GRCh38, 1-based): chr10:71,818,948-71,818,953, AGTCTC deleted on the plus strand (GAGACT on the coding strand, the reverse complement: PSAP is on the minus strand); deleting any 6 consecutive bases within chr10:71,818,948-71,818,955 gives the same sequence; the c. name uses the placement nearest the transcript's 3' end. VCF-style (leftmost placement, unchanged base first): chr10-71818947-AAGTCTC-A. GRCh37 (hg19) VCF-style: chr10-73578704-AAGTCTC-A.
Other names: c.1437+78_1437+83del (NM_001042466.3); c.1440+78_1440+83del (NM_001042465.3).
Identifiers: ClinVar variation 680725 (VCV000680725.1), dbSNP rs74733861, ClinGen allele CA209453349.